The following is an entry in ClinVar:

ClinVar aggregate classification (germline): Benign/Likely benign. Review status: criteria provided, multiple submitters, no conflicts (2 of 4 stars). 2 submissions from 2 submitters: Benign (1); Likely benign (1). Last evaluated 2024-10-28.

Conditions:
Birt-Hogg-Dube syndrome 1 (BHD1). Also called: FIBROFOLLICULOMAS WITH TRICHODISCOMAS AND ACROCHORDONS. Identifiers: Orphanet 122, MedGen CN375946, MONDO:0800445, OMIM 135150.
Hereditary cancer-predisposing syndrome. Also called: Hereditary Cancer Syndrome; Hereditary neoplastic syndrome; Neoplastic Syndromes, Hereditary; Tumor predisposition. Identifiers: Orphanet 140162, MedGen C0027672, MeSH D009386, MONDO:0015356.

Submissions (2):

Myriad Genetics, Inc.
Classification: Benign for Birt-Hogg-Dube syndrome 1. Last evaluated: 2024-10-28. Review status: criteria provided, single submitter. Criteria: Myriad Autosomal Dominant, Autosomal Recessive and X-Linked Classification Criteria (2023). Collection method: clinical testing. Allele origin: unknown.
Comment: This variant is considered benign. This variant is a silent/synonymous amino acid change and it is not expected to impact splicing.

Ambry Genetics
Classification: Likely benign for Hereditary cancer-predisposing syndrome. Last evaluated: 2022-05-07. Review status: criteria provided, single submitter. Criteria: Ambry Variant Classification Scheme 2023. Collection method: clinical testing. Allele origin: germline.

NM_144997.7(FLCN):c.1554T>A (p.Leu518=)

Gene: FLCN (folliculin; minus strand). Cytogenetic location: 17p11.2.
Variant type: single nucleotide variant.
Coding change: c.1554T>A on transcript NM_144997.7 (MANE Select); coding-DNA position 1554, T replaced by A.
Protein change: p.Leu518=; no amino-acid change (leucine 518 retained).
Molecular consequence: synonymous variant.
Genome position (GRCh38, 1-based): chr17:17,213,841, A>T on the plus strand (T>A on the coding strand, the complement: FLCN is on the minus strand). VCF-style: chr17-17213841-A-T. GRCh37 (hg19) VCF-style: chr17-17117155-A-T.
Other names: c.1608T>A, p.Leu536= (NM_001353229.2); c.1554T>A, p.Leu518= (NM_001353230.2, NM_001353231.2).
Identifiers: ClinVar variation 1775135 (VCV001775135.3), dbSNP rs2544126222, ClinGen allele CA498163166.